The following is an entry in ClinVar:

ClinVar aggregate classification (germline): Uncertain significance. Review status: criteria provided, multiple submitters, no conflicts (2 of 4 stars). 2 submissions from 2 submitters: Uncertain significance (2). Last evaluated 2025-04-12.

Conditions:
Neutropenia, severe congenital, 1, autosomal dominant. Identifiers: MedGen C1859966, MONDO:0042490, OMIM 202700.
Cyclical neutropenia. Also called: Cyclic hematopoiesis; Cyclic Neutropenia. Identifiers: Orphanet 2686, MedGen C0221023, MONDO:0008090, OMIM 162800, HP:0040289. Disease mechanism: loss of function.
Inborn genetic diseases. Identifiers: MedGen C0950123, MeSH D030342.

gnomAD v4.1: 1 of 1,609,890 alleles (0.000062%); highest among the groups gnomAD compares: Non-Finnish European, 0.000085%; no homozygotes.

Submissions (2):

Ambry Genetics
Classification: Uncertain significance for Inborn genetic diseases. Last evaluated: 2025-04-12. Review status: criteria provided, single submitter. Criteria: Ambry Variant Classification Scheme 2023. Collection method: clinical testing. Allele origin: germline.
Comment: The p.A86S variant (also known as c.256G>T), located in coding exon 3 of the ELANE gene, results from a G to T substitution at nucleotide position 256. The alanine at codon 86 is replaced by serine, an amino acid with similar properties. This amino acid position is conserved. In addition, the in silico prediction for this alteration is inconclusive. Based on the available evidence, the clinical significance of this variant remains unclear.

Labcorp Genetics (formerly Invitae), Labcorp
Classification: Uncertain significance for Neutropenia, severe congenital, 1, autosomal dominant; Cyclical neutropenia. Last evaluated: 2023-06-24. Review status: criteria provided, single submitter. Criteria: Invitae Variant Classification Sherloc (09022015). Collection method: clinical testing. Allele origin: germline.
Comment: In summary, the available evidence is currently insufficient to determine the role of this variant in disease. Therefore, it has been classified as a Variant of Uncertain Significance. Advanced modeling of protein sequence and biophysical properties (such as structural, functional, and spatial information, amino acid conservation, physicochemical variation, residue mobility, and thermodynamic stability) performed at Invitae indicates that this missense variant is not expected to disrupt ELANE protein function. ClinVar contains an entry for this variant (Variation ID: 644765). This variant has not been reported in the literature in individuals affected with ELANE-related conditions. This variant is not present in population databases (gnomAD no frequency). This sequence change replaces alanine, which is neutral and non-polar, with serine, which is neutral and polar, at codon 86 of the ELANE protein (p.Ala86Ser).

NM_001972.4(ELANE):c.256G>T (p.Ala86Ser)

Gene: ELANE (elastase, neutrophil expressed; plus strand). Cytogenetic location: 19p13.3.
Variant type: single nucleotide variant.
Coding change: c.256G>T on transcript NM_001972.4 (MANE Select); coding-DNA position 256, G replaced by T.
Protein change: p.Ala86Ser; replaces alanine 86 with serine.
Molecular consequence: missense variant.
Genome position (GRCh38, 1-based): chr19:853,293, G>T. VCF-style: chr19-853293-G-T. GRCh37 (hg19) VCF-style: chr19-853293-G-T.
Other names: c.256G>T (LRG_57t1); short protein forms A86S.
Identifiers: ClinVar variation 644765 (VCV000644765.12), dbSNP rs1599291445, ClinGen allele CA402915241.